The following is an entry in ClinVar:

ClinVar aggregate classification (germline): Uncertain significance. Review status: criteria provided, multiple submitters, no conflicts (2 of 4 stars). 2 submissions from 2 submitters: Uncertain significance (2). Last evaluated 2023-02-01.

Conditions:
Developmental and epileptic encephalopathy, 42 (DEE42A). Also called: Epileptic encephalopathy, early infantile, 42; DEVELOPMENTAL AND EPILEPTIC ENCEPHALOPATHY 42A; EPILEPTIC ENCEPHALOPATHY, EARLY INFANTILE, 42A. Identifiers: MedGen C4310716, MONDO:0014917, OMIM 617106.
Episodic ataxia type 2 (EA2). Also called: ACETAZOLAMIDE-RESPONSIVE HEREDITARY PAROXYSMAL CEREBELLAR ATAXIA; ATAXIA, EPISODIC, WITH NYSTAGMUS; ATAXIA, FAMILIAL PAROXYSMAL; CEREBELLAR ATAXIA, PAROXYSMAL, ACETAZOLAMIDE-RESPONSIVE; CEREBELLOPATHY, HEREDITARY PAROXYSMAL; EPISODIC ATAXIA, NYSTAGMUS-ASSOCIATED. Identifiers: Orphanet 97, MedGen C1720416, MONDO:0007163, OMIM 108500.

Allele frequency attached by ClinVar (database versions not stated): gnomAD exomes below 0.00001; TOPMed below 0.00001.
gnomAD v4.1: 3 of 1,608,178 alleles (0.00019%); highest among the groups gnomAD compares: Non-Finnish European, 0.00025%; no homozygotes.

Submissions (2):

CeGaT Center for Human Genetics Tuebingen
Classification: Uncertain significance. Last evaluated: 2023-02-01. Review status: criteria provided, single submitter. Criteria: CeGaT Center For Human Genetics Tuebingen Variant Classification Criteria Version 2. Collection method: clinical testing. Allele origin: germline. Affected: yes. Observed: 1 variant allele.

Labcorp Genetics (formerly Invitae), Labcorp
Classification: Uncertain significance for Developmental and epileptic encephalopathy, 42; Episodic ataxia type 2. Last evaluated: 2022-01-04. Review status: criteria provided, single submitter. Criteria: Invitae Variant Classification Sherloc (09022015). Collection method: clinical testing. Allele origin: germline.
Comment: In summary, the available evidence is currently insufficient to determine the role of this variant in disease. Therefore, it has been classified as a Variant of Uncertain Significance. Advanced modeling of protein sequence and biophysical properties (such as structural, functional, and spatial information, amino acid conservation, physicochemical variation, residue mobility, and thermodynamic stability) performed at Invitae indicates that this missense variant is not expected to disrupt CACNA1A protein function. This variant has not been reported in the literature in individuals affected with CACNA1A-related conditions. This variant is not present in population databases (gnomAD no frequency). This sequence change replaces glutamic acid, which is acidic and polar, with alanine, which is neutral and non-polar, at codon 856 of the CACNA1A protein (p.Glu856Ala).

NM_001127222.2(CACNA1A):c.2564A>C (p.Glu855Ala)

Gene: CACNA1A (calcium voltage-gated channel subunit alpha1 A; minus strand). Cytogenetic location: 19p13.13.
Variant type: single nucleotide variant.
Coding change: c.2564A>C on transcript NM_001127222.2 (MANE Select); coding-DNA position 2564, A replaced by C.
Protein change: p.Glu855Ala; replaces glutamic acid 855 with alanine.
Molecular consequence: missense variant.
Genome position (GRCh38, 1-based): chr19:13,299,069, T>G on the plus strand (A>C on the coding strand, the complement: CACNA1A is on the minus strand). VCF-style: chr19-13299069-T-G. GRCh37 (hg19) VCF-style: chr19-13409883-T-G.
Other names: c.2576A>C, p.Glu859Ala (NM_000068.4, NM_023035.3); c.2567A>C, p.Glu856Ala (NM_001127221.2, NM_001174080.2); short protein forms E859A, E855A, E856A.
Identifiers: ClinVar variation 1360328 (VCV001360328.33), dbSNP rs2057734618, ClinGen allele CA404343179.